The following is an entry in ClinVar:

ClinVar aggregate classification (germline): Uncertain significance (1 of 4 stars; one submission).

Submission:

Laboratory for Molecular Medicine, Mass General Brigham Personalized Medicine
Classification: Uncertain significance. Last evaluated: 2016-08-12. Review status: criteria provided, single submitter. Criteria: LMM Criteria. Collection method: clinical testing. Allele origin: germline.
Comment: Variant identified in a genome or exome case(s) and assessed due to predicted null impact of the variant or pathogenic assertions in the literature or databases. Disclaimer: This variant has not undergone full assessment. The following are preliminary notes: LOF not a known disease mechanism for this gene.

NM_000069.3(CACNA1S):c.744_745insTCCT (p.Gly249fs)

Gene: CACNA1S (calcium voltage-gated channel subunit alpha1 S; minus strand). Cytogenetic location: 1q32.1.
Variant type: Insertion.
Coding change: c.744_745insTCCT on transcript NM_000069.3 (MANE Select); coding-DNA positions 744 to 745, TCCT inserted.
Protein change: p.Gly249fs; shifts the reading frame from glycine 249.
Molecular consequence: frameshift variant.
Genome position: GRCh38 VCF-style: chr1-201089413-C-CAGGA. GRCh37 (hg19) VCF-style: chr1-201058541-C-CAGGA.
Other names: short protein forms G249fs.
Identifiers: ClinVar variation 402471 (VCV000402471.4), dbSNP rs1060499846, ClinGen allele CA16609709.